The following is an entry in ClinVar:

ClinVar aggregate classification (germline): Uncertain significance. Review status: criteria provided, multiple submitters, no conflicts (2 of 4 stars). 2 submissions from 2 submitters: Uncertain significance (2). Last evaluated 2025-10-02.

Allele frequency attached by ClinVar (database versions not stated): TOPMed 0.00002; gnomAD exomes 0.00003; ExAC 0.00005; ESP Exome Variant Server 0.00008.

Submissions (2):

Labcorp Genetics (formerly Invitae), Labcorp
Classification: Uncertain significance. Last evaluated: 2025-10-02. Review status: criteria provided, single submitter. Criteria: Invitae Variant Classification Sherloc (09022015). Collection method: clinical testing. Allele origin: germline.
Comment: This sequence change replaces asparagine, which is neutral and polar, with serine, which is neutral and polar, at codon 174 of the ACVR1 protein (p.Asn174Ser). This variant is present in population databases (rs374178479, gnomAD 0.007%). This variant has not been reported in the literature in individuals affected with ACVR1-related conditions. ClinVar contains an entry for this variant (Variation ID: 808834). An algorithm developed to predict the effect of missense changes on protein structure and function (PolyPhen-2) suggests that this variant is likely to be disruptive. In summary, the available evidence is currently insufficient to determine the role of this variant in disease. Therefore, it has been classified as a Variant of Uncertain Significance.

CeGaT Center for Human Genetics Tuebingen
Classification: Uncertain significance. Last evaluated: 2019-06-01. Review status: criteria provided, single submitter. Criteria: CeGaT Center For Human Genetics Tuebingen Variant Classification Criteria Version 2. Collection method: clinical testing. Allele origin: germline. Affected: yes. Observed: 1 variant allele.

NM_001111067.4(ACVR1):c.521A>G (p.Asn174Ser)

Gene: ACVR1 (activin A receptor type 1; minus strand). Cytogenetic location: 2q24.1.
Variant type: single nucleotide variant.
Coding change: c.521A>G on transcript NM_001111067.4 (MANE Select); coding-DNA position 521, A replaced by G.
Protein change: p.Asn174Ser; replaces asparagine 174 with serine.
Molecular consequence: missense variant.
Genome position (GRCh38, 1-based): chr2:157,778,153, T>C on the plus strand (A>G on the coding strand, the complement: ACVR1 is on the minus strand). VCF-style: chr2-157778153-T-C. GRCh37 (hg19) VCF-style: chr2-158634665-T-C.
Other names: c.521A>G, p.Asn174Ser (NM_001105.5, NM_001347663.1, NM_001347664.1 and 3 more transcripts); short protein forms N174S.
Identifiers: ClinVar variation 808834 (VCV000808834.45), dbSNP rs374178479, ClinGen allele CA1919141.